The following is an entry in ClinVar:

NM_002471.4(MYH6):c.4063G>A (p.Ala1355Thr)

Gene: MYH6 (myosin heavy chain 6; minus strand). Cytogenetic location: 14q11.2.
Variant type: single nucleotide variant.
Coding change: c.4063G>A on transcript NM_002471.4 (MANE Select); coding-DNA position 4063, G replaced by A.
Protein change: p.Ala1355Thr; replaces alanine 1355 with threonine.
Molecular consequence: missense variant.
Genome position (GRCh38, 1-based): chr14:23,388,971, C>T on the plus strand (G>A on the coding strand, the complement: MYH6 is on the minus strand). VCF-style: chr14-23388971-C-T. GRCh37 (hg19) VCF-style: chr14-23858180-C-T.
Other names: short protein forms A1355T.
Identifiers: ClinVar variation 1313018 (VCV001313018.4), dbSNP rs1177440228, ClinGen allele CA389002021.

ClinVar aggregate classification (germline): Uncertain significance. Review status: criteria provided, multiple submitters, no conflicts (2 of 4 stars). 3 submissions from 3 submitters: Uncertain significance (3). Last evaluated 2025-05-13.

Conditions:
Cardiovascular phenotype. Identifiers: MedGen CN230736.
Hypertrophic cardiomyopathy 14. Identifiers: MedGen C2750467, MONDO:0013197, OMIM 613251.

Allele frequency attached by ClinVar (database versions not stated): gnomAD exomes below 0.00001; gnomAD 0.00001; TOPMed 0.00001.

Submissions (3):

Labcorp Genetics (formerly Invitae), Labcorp
Classification: Uncertain significance for Hypertrophic cardiomyopathy 14. Last evaluated: 2025-05-13. Review status: criteria provided, single submitter. Criteria: Invitae Variant Classification Sherloc (09022015). Collection method: clinical testing. Allele origin: germline.
Comment: This sequence change replaces alanine, which is neutral and non-polar, with threonine, which is neutral and polar, at codon 1355 of the MYH6 protein (p.Ala1355Thr). This variant is present in population databases (no rsID available, gnomAD 0.0009%). This variant has not been reported in the literature in individuals affected with MYH6-related conditions. ClinVar contains an entry for this variant (Variation ID: 1313018). Invitae Evidence Modeling of protein sequence and biophysical properties (such as structural, functional, and spatial information, amino acid conservation, physicochemical variation, residue mobility, and thermodynamic stability) indicates that this missense variant is not expected to disrupt MYH6 protein function with a negative predictive value of 80%. In summary, the available evidence is currently insufficient to determine the role of this variant in disease. Therefore, it has been classified as a Variant of Uncertain Significance.

Ambry Genetics
Classification: Uncertain significance for Cardiovascular phenotype. Last evaluated: 2024-07-17. Review status: criteria provided, single submitter. Criteria: Ambry Variant Classification Scheme 2023. Collection method: clinical testing. Allele origin: germline.
Comment: The p.A1355T variant (also known as c.4063G>A), located in coding exon 27 of the MYH6 gene, results from a G to A substitution at nucleotide position 4063. The alanine at codon 1355 is replaced by threonine, an amino acid with similar properties. This amino acid position is conserved. In addition, the in silico prediction for this alteration is inconclusive. Based on the available evidence, the clinical significance of this variant remains unclear.

GeneDx
Classification: Uncertain significance. Last evaluated: 2020-07-10. Review status: criteria provided, single submitter. Criteria: GeneDx Variant Classification Process June 2021. Collection method: clinical testing. Allele origin: germline. Affected: yes.
Comment: Not observed at a significant frequency in large population cohorts (Lek et al., 2016); In silico analysis supports that this missense variant has a deleterious effect on protein structure/function; Has not been previously published as pathogenic or benign to our knowledge